The following is an entry in ClinVar:

ClinVar aggregate classification (germline): Pathogenic. Review status: no assertion criteria provided (0 of 4 stars). 2 submissions from 2 submitters: Pathogenic (1). 1 of the submissions does not count toward it. Last evaluated 2002-07-01.

Conditions:
Chronic infantile neurological, cutaneous and articular syndrome (CINCA). Also called: CHRONIC NEUROLOGIC CUTANEOUS AND ARTICULAR SYNDROME; CINCA syndrome; CRYOPYRIN-ASSOCIATED PERIODIC SYNDROME 3; Prieur Griscelli syndrome. Identifiers: Orphanet 1451, MedGen C0409818, MONDO:0011776, OMIM 607115.
Familial cold autoinflammatory syndrome 1 (FCAS1). Also called: CRYOPYRIN-ASSOCIATED PERIODIC SYNDROME 1; Familial cold inflammatory syndrome 1. Identifiers: Orphanet 47045, MedGen C4551895, MONDO:0007349, OMIM 120100.

Submissions (2):

OMIM
Classification: Pathogenic for CINCA SYNDROME. Last evaluated: 2002-07-01. Review status: no assertion criteria provided. Collection method: literature only. Allele origin: germline.

Unité médicale des maladies autoinflammatoires, CHRU Montpellier
No classification provided. Condition: Familial cold urticaria. Review status: no classification provided. Collection method: not provided. Allele origin: unknown. Not counted in ClinVar's aggregate classification.
Comment: also involved in OMIM 191900 and 607115

Literature cited by the submitters: PubMed 12032915 (cited by OMIM).

NM_001243133.2(NLRP3):c.926T>C (p.Phe309Ser)

Gene: NLRP3 (NLR family pyrin domain containing 3; plus strand). Cytogenetic location: 1q44.
Variant type: single nucleotide variant.
Coding change: c.926T>C on transcript NM_001243133.2 (MANE Select); coding-DNA position 926, T replaced by C.
Protein change: p.Phe309Ser; replaces phenylalanine 309 with serine.
Molecular consequence: missense variant.
Genome position (GRCh38, 1-based): chr1:247,424,375, T>C. VCF-style: chr1-247424375-T-C. GRCh37 (hg19) VCF-style: chr1-247587677-T-C.
Other names: c.926T>C, p.Phe309Ser (NM_001079821.3, NM_001127461.3, NM_001127462.3 and 1 more transcripts); c.932T>C, p.Phe311Ser (NM_004895.5); short protein forms F309S, F311S.
Identifiers: ClinVar variation 4378 (VCV000004378.1), dbSNP rs121908154, ClinGen allele CA116800.
Genomic context (GRCh38, chr1:247,424,375, plus strand): 5'-TGAGAAAACCCTCCAGAATCCTCTTCCTCATGGACGGCTTCGATGAGCTGCAAGGTGCCT[T>C]TGACGAGCACATAGGACCGCTCTGCACTGACTGGCAGAAGGCCGAGCGGGGAGACATTCT-3'
Protein context (NP_001230062.1, residues 299-319): MDGFDELQGA[Phe309Ser]DEHIGPLCTD